The following is an entry in ClinVar:

ClinVar aggregate classification (germline): Uncertain significance (1 of 4 stars; one submission).

gnomAD v4.1: 1 of 1,210,540 alleles (0.000083%); highest among the groups gnomAD compares: Non-Finnish European, 0.00011%; no homozygotes.

Submission:

GeneDx
Classification: Uncertain significance. Last evaluated: 2023-06-28. Review status: criteria provided, single submitter. Criteria: GeneDx Variant Classification Process June 2021. Collection method: clinical testing. Allele origin: germline. Affected: yes.
Comment: Not observed at significant frequency in large population cohorts (gnomAD); In silico analysis supports that this missense variant does not alter protein structure/function; Has not been previously published as pathogenic or benign to our knowledge

NM_000489.6(ATRX):c.5638A>G (p.Ser1880Gly)

Gene: ATRX (ATRX chromatin remodeler; minus strand). Cytogenetic location: Xq21.1.
Variant type: single nucleotide variant.
Coding change: c.5638A>G on transcript NM_000489.6 (MANE Select); coding-DNA position 5638, A replaced by G.
Protein change: p.Ser1880Gly; replaces serine 1880 with glycine.
Molecular consequence: missense variant.
Genome position (GRCh38, 1-based): chrX:77,600,493, T>C on the plus strand (A>G on the coding strand, the complement: ATRX is on the minus strand). VCF-style: chrX-77600493-T-C. GRCh37 (hg19) VCF-style: chrX-76855962-T-C.
Other names: c.5524A>G, p.Ser1842Gly (NM_138270.5); short protein forms S1842G, S1880G.
Identifiers: ClinVar variation 3360246 (VCV003360246.1).